The following is an entry in ClinVar:

ClinVar aggregate classification (germline): Uncertain significance. Review status: criteria provided, multiple submitters, no conflicts (2 of 4 stars). 2 submissions from 2 submitters: Uncertain significance (2). Last evaluated 2025-10-29.

Conditions:
Brachyolmia-amelogenesis imperfecta syndrome. Also called: PLATYSPONDYLY WITH AMELOGENESIS IMPERFECTA; Tooth agenesis, selective, 6; Dental anomalies and short stature. Identifiers: Orphanet 2899, MedGen C1832594, MONDO:0011018, OMIM 601216. Disease mechanism: loss of function.
Inborn genetic diseases. Identifiers: MedGen C0950123, MeSH D030342.

Submissions (2):

Labcorp Genetics (formerly Invitae), Labcorp
Classification: Uncertain significance for Brachyolmia-amelogenesis imperfecta syndrome. Last evaluated: 2025-10-29. Review status: criteria provided, single submitter. Criteria: Invitae Variant Classification Sherloc (09022015). Collection method: clinical testing. Allele origin: germline.
Comment: This sequence change replaces valine, which is neutral and non-polar, with leucine, which is neutral and non-polar, at codon 524 of the LTBP3 protein (p.Val524Leu). This variant is present in population databases (rs777437671, gnomAD 0.002%). This variant has not been reported in the literature in individuals affected with LTBP3-related conditions. ClinVar contains an entry for this variant (Variation ID: 3609277). An algorithm developed to predict the effect of missense changes on protein structure and function outputs the following: PolyPhen-2: "Benign". The leucine amino acid residue is found in multiple mammalian species, which suggests that this missense change does not adversely affect protein function. In summary, the available evidence is currently insufficient to determine the role of this variant in disease. Therefore, it has been classified as a Variant of Uncertain Significance.

Ambry Genetics
Classification: Uncertain significance for Inborn genetic diseases. Last evaluated: 2025-03-13. Review status: criteria provided, single submitter. Criteria: Ambry Variant Classification Scheme 2023. Collection method: clinical testing. Allele origin: germline.
Comment: The p.V524L variant (also known as c.1570G>C), located in coding exon 10 of the LTBP3 gene, results from a G to C substitution at nucleotide position 1570. The valine at codon 524 is replaced by leucine, an amino acid with highly similar properties. This amino acid position is conserved. In addition, this alteration is predicted to be tolerated by in silico analysis. Based on the available evidence, the clinical significance of this variant remains unclear.

NM_001130144.3(LTBP3):c.1570G>C (p.Val524Leu)

Gene: LTBP3 (latent transforming growth factor beta binding protein 3; minus strand). Cytogenetic location: 11q13.1.
Variant type: single nucleotide variant.
Coding change: c.1570G>C on transcript NM_001130144.3 (MANE Select); coding-DNA position 1570, G replaced by C.
Protein change: p.Val524Leu; replaces valine 524 with leucine.
Molecular consequence: missense variant.
Genome position (GRCh38, 1-based): chr11:65,551,453, C>G on the plus strand (G>C on the coding strand, the complement: LTBP3 is on the minus strand). VCF-style: chr11-65551453-C-G. GRCh37 (hg19) VCF-style: chr11-65318924-C-G.
Other names: c.1570G>C (NM_001130144.2); c.1219G>C, p.Val407Leu (NM_001164266.1); c.1570G>C, p.Val524Leu (NM_021070.4); short protein forms V407L, V524L.
Identifiers: ClinVar variation 3609277 (VCV003609277.3).